The following is an entry in ClinVar:

NM_003900.5(SQSTM1):c.462C>T (p.Cys154=)

Gene: SQSTM1 (sequestosome 1; plus strand). Cytogenetic location: 5q35.3.
Variant type: single nucleotide variant.
Coding change: c.462C>T on transcript NM_003900.5 (MANE Select); coding-DNA position 462, C replaced by T.
Protein change: p.Cys154=; no amino-acid change (cysteine 154 retained).
Molecular consequence: synonymous variant.
Genome position (GRCh38, 1-based): chr5:179,824,018, C>T. VCF-style: chr5-179824018-C-T. GRCh37 (hg19) VCF-style: chr5-179251018-C-T.
Other names: c.210C>T, p.Cys70= (NM_001142298.2, NM_001142299.2).
Identifiers: ClinVar variation 903991 (VCV000903991.13), dbSNP rs775988188, ClinGen allele CA3600513.

ClinVar aggregate classification (germline): Conflicting classifications of pathogenicity. Review status: criteria provided, conflicting classifications (1 of 4 stars). 3 submissions from 3 submitters: Uncertain significance (1); Likely benign (1). 1 of the submissions does not count toward it. Last evaluated 2024-10-08.

Conditions:
SQSTM1-related disorder. Also called: SQSTM1-Related Disorders.
Paget disease of bone 3. Identifiers: MedGen C4085252, MONDO:0008176, OMIM 167250.
Frontotemporal dementia and/or amyotrophic lateral sclerosis 1 (FTDALS1). Also called: Frontotemporal dementia with motor neuron disease 1; C9orf72 Frontotemporal Dementia and/or Amyotrophic Lateral Sclerosis. Identifiers: Orphanet 275872, MedGen C5779877, MONDO:0007105, OMIM 105550.
Paget disease of bone 2, early-onset (PDB2). Also called: Paget disease of bone 2. Identifiers: MedGen C4085251, MONDO:0011183, OMIM 602080.

Allele frequency attached by ClinVar (database versions not stated): gnomAD exomes below 0.00001 and 0.00005; TOPMed below 0.00001; ExAC 0.00001.
gnomAD v4.1: 65 of 1,614,026 alleles (0.004%); highest among the groups gnomAD compares: South Asian, 0.0077%; no homozygotes.

Submissions (3):

Labcorp Genetics (formerly Invitae), Labcorp
Classification: Likely benign for Paget disease of bone 2, early-onset; Frontotemporal dementia and/or amyotrophic lateral sclerosis 1. Last evaluated: 2024-10-08. Review status: criteria provided, single submitter. Criteria: Invitae Variant Classification Sherloc (09022015). Collection method: clinical testing. Allele origin: germline.

Illumina Laboratory Services, Illumina
Classification: Uncertain significance for Paget disease of bone 3. Last evaluated: 2018-01-12. Review status: criteria provided, single submitter. Criteria: ICSL Variant Classification Criteria 13 December 2019. Collection method: clinical testing. Allele origin: germline.

PreventionGenetics, part of Exact Sciences
Classification: Likely benign for SQSTM1-related condition. Last evaluated: 2024-06-18. Review status: no assertion criteria provided. Collection method: clinical testing. Allele origin: germline. Not counted in ClinVar's aggregate classification.
Comment: This variant is classified as likely benign based on ACMG/AMP sequence variant interpretation guidelines (Richards et al. 2015 PMID: 25741868, with internal and published modifications).